The following is an entry in ClinVar:

ClinVar aggregate classification (germline): Uncertain significance (1 of 4 stars; one submission).

Allele frequency attached by ClinVar (database versions not stated): gnomAD exomes below 0.00001; ExAC 0.00001.
gnomAD v4.1: 1 of 1,614,136 alleles (0.000062%); highest among the groups gnomAD compares: Non-Finnish European, 0.000085%; no homozygotes.

Submission:

Labcorp Genetics (formerly Invitae), Labcorp
Classification: Uncertain significance. Last evaluated: 2024-04-29. Review status: criteria provided, single submitter. Criteria: Invitae Variant Classification Sherloc (09022015). Collection method: clinical testing. Allele origin: germline.
Comment: This sequence change replaces arginine, which is basic and polar, with lysine, which is basic and polar, at codon 1585 of the FAT4 protein (p.Arg1585Lys). This variant is present in population databases (rs778179523, gnomAD 0.0009%). This variant has not been reported in the literature in individuals affected with FAT4-related conditions. ClinVar contains an entry for this variant (Variation ID: 1912192). Advanced modeling of protein sequence and biophysical properties (such as structural, functional, and spatial information, amino acid conservation, physicochemical variation, residue mobility, and thermodynamic stability) performed at Invitae indicates that this missense variant is not expected to disrupt FAT4 protein function with a negative predictive value of 95%. In summary, the available evidence is currently insufficient to determine the role of this variant in disease. Therefore, it has been classified as a Variant of Uncertain Significance.

NM_001291303.3(FAT4):c.4754G>A (p.Arg1585Lys)

Gene: FAT4 (FAT atypical cadherin 4; plus strand). Cytogenetic location: 4q28.1.
Variant type: single nucleotide variant.
Coding change: c.4754G>A on transcript NM_001291303.3 (MANE Select); coding-DNA position 4754, G replaced by A.
Protein change: p.Arg1585Lys; replaces arginine 1585 with lysine.
Molecular consequence: missense variant.
Genome position (GRCh38, 1-based): chr4:125,321,165, G>A. VCF-style: chr4-125321165-G-A. GRCh37 (hg19) VCF-style: chr4-126242320-G-A.
Other names: c.4754G>A, p.Arg1585Lys (NM_001291285.3, NM_024582.6); short protein forms R1585K.
Identifiers: ClinVar variation 1912192 (VCV001912192.5), dbSNP rs778179523, ClinGen allele CA3072516.